The following is an entry in ClinVar:

NC_000016.9:g.(?_30078199)_(30200305_?)dup

Genes: MAPK3 (mitogen-activated protein kinase 3; minus strand), TBX6 (T-box transcription factor 6; minus strand), YPEL3 (yippee like 3; minus strand), YPEL3-DT (YPEL3 divergent transcript; plus strand), PPP4C (protein phosphatase 4 catalytic subunit; plus strand) and 19 more. Cytogenetic location: 16p11.2.
Variant type: Duplication.
Identifiers: ClinVar variation 652956 (VCV000652956.4).

ClinVar aggregate classification (germline): Uncertain significance (1 of 4 stars; one submission).

Conditions:
Severe combined immunodeficiency due to CORO1A deficiency. Also called: IMMUNODEFICIENCY 8 WITH LYMPHOPROLIFERATION; Immunodeficiency 8. Identifiers: Orphanet 228003, MedGen C3809383, MONDO:0014168, OMIM 615401.

Submission:

Labcorp Genetics (formerly Invitae), Labcorp
Classification: Uncertain significance for Severe combined immunodeficiency due to CORO1A deficiency. Last evaluated: 2022-07-05. Review status: criteria provided, single submitter. Criteria: Invitae Variant Classification Sherloc (09022015). Collection method: clinical testing. Allele origin: germline.
Comment: A copy number gain of the genomic region encompassing the full coding sequence of the CORO1A gene has been identified. The boundaries of this event are unknown as they extend beyond the assayed region for this gene and therefore may encompass additional genes. As the precise location of this event is unknown, it may be in tandem or it may be located elsewhere in the genome. This variant has not been reported in the literature in individuals affected with CORO1A-related conditions. In summary, the available evidence is currently insufficient to determine the role of this variant in disease. Therefore, it has been classified as a Variant of Uncertain Significance.